The following is an entry in ClinVar:

NM_003660.4(PPFIA3):c.1550G>A (p.Arg517His)

Gene: PPFIA3 (PPFI scaffold protein A3; plus strand). Cytogenetic location: 19q13.33.
Variant type: single nucleotide variant.
Coding change: c.1550G>A on transcript NM_003660.4 (MANE Select); coding-DNA position 1550, G replaced by A.
Protein change: p.Arg517His; replaces arginine 517 with histidine.
Molecular consequence: missense variant. On other transcripts: non-coding transcript variant (1).
Genome position (GRCh38, 1-based): chr19:49,135,808, G>A. VCF-style: chr19-49135808-G-A. GRCh37 (hg19) VCF-style: chr19-49639065-G-A.
Other names: short protein forms R517H.
Identifiers: ClinVar variation 4883547 (VCV004883547.2).

ClinVar aggregate classification (germline): Uncertain significance (1 of 4 stars; one submission).

gnomAD v4.1: 35 of 1,613,420 alleles (0.0022%); highest among the groups gnomAD compares: Admixed American, 0.033%; no homozygotes.

Submission:

Dasa
Classification: Uncertain significance. Last evaluated: 2025-12-20. Review status: criteria provided, single submitter. Criteria: DASA Assertion Criteria. Collection method: clinical testing. Allele origin: germline.
Comment: NM_003660.4(PPFIA3):c.1550G>A (p.Arg517His) is a missense variant that results in the substitution of arginine with histidine. This variant is rare in population databases. The currently available literature and clinical evidence are not sufficient to establish a definitive association between this variant and the reported condition. Therefore, this variant is classified as a variant of uncertain significance.